The following is an entry in ClinVar:

ClinVar aggregate classification (germline): Uncertain significance (1 of 4 stars; one submission).

Conditions:
Hereditary cancer-predisposing syndrome. Also called: Neoplastic Syndromes, Hereditary; Tumor predisposition; Hereditary Cancer Syndrome; Hereditary neoplastic syndrome. Identifiers: Orphanet 140162, MedGen C0027672, MeSH D009386, MONDO:0015356.

Submission:

Ambry Genetics
Classification: Uncertain significance for Hereditary cancer-predisposing syndrome. Last evaluated: 2025-10-21. Review status: criteria provided, single submitter. Criteria: Ambry Variant Classification Scheme 2023. Collection method: clinical testing. Allele origin: germline.
Comment: The p.T1024S variant (also known as c.3070A>T), located in coding exon 13 of the MET gene, results from an A to T substitution at nucleotide position 3070. The threonine at codon 1024 is replaced by serine, an amino acid with similar properties. This amino acid position is conserved. In addition, this alteration is predicted to be tolerated by in silico analysis. Based on the available evidence, the clinical significance of this variant remains unclear.

NM_000245.4(MET):c.3016A>T (p.Thr1006Ser)

Gene: MET (MET proto-oncogene, receptor tyrosine kinase; plus strand). Cytogenetic location: 7q31.2.
Variant type: single nucleotide variant.
Coding change: c.3016A>T on transcript NM_000245.4 (MANE Select); coding-DNA position 3016, A replaced by T.
Protein change: p.Thr1006Ser; replaces threonine 1006 with serine.
Molecular consequence: missense variant.
Genome position (GRCh38, 1-based): chr7:116,771,977, A>T. VCF-style: chr7-116771977-A-T. GRCh37 (hg19) VCF-style: chr7-116412031-A-T.
Other names: c.3070A>T, p.Thr1024Ser (NM_001127500.3); c.1726A>T, p.Thr576Ser (NM_001324402.2); short protein forms T1006S, T1024S, T576S.
Identifiers: ClinVar variation 4647804 (VCV004647804.1).